The following is an entry in ClinVar:

ClinVar aggregate classification (germline): Uncertain significance (1 of 4 stars; one submission).

Submission:

Women's Health and Genetics/Laboratory Corporation of America, LabCorp
Classification: Uncertain significance. Last evaluated: 2023-10-13. Review status: criteria provided, single submitter. Criteria: LabCorp Variant Classification Summary - May 2015. Collection method: clinical testing. Allele origin: germline.
Comment: Variant summary: PRKDC c.9749A>G (p.Asn3250Ser) results in a conservative amino acid change located in the PIK-related kinase, FAT domain (IPR003151) of the encoded protein sequence. Four of five in-silico tools predict a benign effect of the variant on protein function. The variant allele was found at a frequency of 0.0001 in 249288 control chromosomes (gnomAD). This frequency is not significantly higher than estimated for a pathogenic variant in PRKDC causing Severe Combined Immunodeficiency (0.0001 vs 0.00035), allowing no conclusion about variant significance. To our knowledge, no occurrence of c.9749A>G in individuals affected with Severe Combined Immunodeficiency and no experimental evidence demonstrating its impact on protein function have been reported. One submitter has cited clinical-significance assessments for this variant to ClinVar after 2014 and has classified the variant as uncertain significance. Based on the evidence outlined above, the variant was classified as uncertain significance.

NM_006904.7(PRKDC):c.9749A>G (p.Asn3250Ser)

Gene: PRKDC (protein kinase, DNA-activated, catalytic subunit; minus strand). Cytogenetic location: 8q11.21.
Variant type: single nucleotide variant.
Coding change: c.9749A>G on transcript NM_006904.7 (MANE Select); coding-DNA position 9749, A replaced by G.
Protein change: p.Asn3250Ser; replaces asparagine 3250 with serine.
Molecular consequence: missense variant.
Genome position (GRCh38, 1-based): chr8:47,803,479, T>C on the plus strand (A>G on the coding strand, the complement: PRKDC is on the minus strand). VCF-style: chr8-47803479-T-C. GRCh37 (hg19) VCF-style: chr8-48716040-T-C.
Other names: c.9749A>G, p.Asn3250Ser (NM_001081640.2); short protein forms N3250S.
Identifiers: ClinVar variation 2637723 (VCV002637723.1), dbSNP rs2551863365, ClinGen allele CA371136928.